The following is an entry in ClinVar:

ClinVar aggregate classification (germline): Uncertain significance. Review status: criteria provided, multiple submitters, no conflicts (2 of 4 stars). 2 submissions from 2 submitters: Uncertain significance (2). Last evaluated 2025-05-02.

Conditions:
Gorlin syndrome. Also called: Nevoid Basal Cell Carcinoma Syndrome; Basal cell nevus syndrome. Identifiers: Orphanet 377, MedGen C0004779, MONDO:0007187.
Hereditary cancer-predisposing syndrome. Also called: Hereditary neoplastic syndrome; Neoplastic Syndromes, Hereditary; Hereditary Cancer Syndrome; Tumor predisposition. Identifiers: Orphanet 140162, MedGen C0027672, MeSH D009386, MONDO:0015356.

Allele frequency attached by ClinVar (database versions not stated): gnomAD exomes below 0.00001; TOPMed 0.00001.
gnomAD v4.1: 6 of 1,614,222 alleles (0.00037%); highest among the groups gnomAD compares: Non-Finnish European, 0.00034%; no homozygotes.

Submissions (2):

Ambry Genetics
Classification: Uncertain significance for Hereditary cancer-predisposing syndrome. Last evaluated: 2025-05-02. Review status: criteria provided, single submitter. Criteria: Ambry Variant Classification Scheme 2023. Collection method: clinical testing. Allele origin: germline.
Comment: The p.Q145R variant (also known as c.434A>G), located in coding exon 3 of the PTCH1 gene, results from an A to G substitution at nucleotide position 434. The glutamine at codon 145 is replaced by arginine, an amino acid with highly similar properties. This amino acid position is conserved. In addition, the in silico prediction for this alteration is inconclusive. Based on the available evidence, the clinical significance of this variant remains unclear.

Labcorp Genetics (formerly Invitae), Labcorp
Classification: Uncertain significance for Gorlin syndrome. Last evaluated: 2024-12-26. Review status: criteria provided, single submitter. Criteria: Invitae Variant Classification Sherloc (09022015). Collection method: clinical testing. Allele origin: germline.
Comment: This sequence change replaces glutamine, which is neutral and polar, with arginine, which is basic and polar, at codon 145 of the PTCH1 protein (p.Gln145Arg). This variant is not present in population databases (gnomAD no frequency). This variant has not been reported in the literature in individuals affected with PTCH1-related conditions. ClinVar contains an entry for this variant (Variation ID: 2722232). Invitae Evidence Modeling of protein sequence and biophysical properties (such as structural, functional, and spatial information, amino acid conservation, physicochemical variation, residue mobility, and thermodynamic stability) indicates that this missense variant is not expected to disrupt PTCH1 protein function with a negative predictive value of 95%. In summary, the available evidence is currently insufficient to determine the role of this variant in disease. Therefore, it has been classified as a Variant of Uncertain Significance.

NM_000264.5(PTCH1):c.434A>G (p.Gln145Arg)

Gene: PTCH1 (patched 1; minus strand). Cytogenetic location: 9q22.32.
Variant type: single nucleotide variant.
Coding change: c.434A>G on transcript NM_000264.5 (MANE Select); coding-DNA position 434, A replaced by G.
Protein change: p.Gln145Arg; replaces glutamine 145 with arginine.
Molecular consequence: missense variant. On other transcripts: 5 prime UTR variant (4), non-coding transcript variant (1).
Genome position (GRCh38, 1-based): chr9:95,485,835, T>C on the plus strand (A>G on the coding strand, the complement: PTCH1 is on the minus strand). VCF-style: chr9-95485835-T-C. GRCh37 (hg19) VCF-style: chr9-98248117-T-C.
Other names: c.236A>G, p.Gln79Arg (NM_001083602.3, NM_001354919.2); c.431A>G, p.Gln144Arg (NM_001083603.3); c.-20A>G (NM_001083604.3, NM_001083605.3, NM_001083606.3 and 1 more transcripts); c.434A>G, p.Gln145Arg (NM_001354918.2); short protein forms Q145R, Q144R, Q79R.
Identifiers: ClinVar variation 2722232 (VCV002722232.4), dbSNP rs1841926960, ClinGen allele CA374117206.